The following is an entry in ClinVar:

NM_006662.3(SRCAP):c.65A>G (p.Asp22Gly)

Gene: SRCAP (Snf2 related CREBBP activator protein; plus strand). Cytogenetic location: 16p11.2.
Variant type: single nucleotide variant.
Coding change: c.65A>G on transcript NM_006662.3 (MANE Select); coding-DNA position 65, A replaced by G.
Protein change: p.Asp22Gly; replaces aspartic acid 22 with glycine.
Molecular consequence: missense variant.
Genome position (GRCh38, 1-based): chr16:30,704,074, A>G. VCF-style: chr16-30704074-A-G. GRCh37 (hg19) VCF-style: chr16-30715395-A-G.
Other names: short protein forms D22G.
Identifiers: ClinVar variation 2504377 (VCV002504377.4), dbSNP rs2052799274, ClinGen allele CA395596153.
Genomic context (GRCh38, chr16:30,704,074, plus strand): 5'-TCAGCACAGTGCGAAGCATTTATTTTCTCCATCATTTTCCTCTTTTCTAGATGGTGTCGG[A>G]CGGCATGACAGGCAGCAATCCTGTGTCCCCTGCCTCATCCAGTTCCCCAGCCTCTAGTGG-3'
Protein context (NP_006653.2, residues 12-32): LPVLQTQMVS[Asp22Gly]GMTGSNPVSP

ClinVar aggregate classification (germline): Uncertain significance. Review status: criteria provided, multiple submitters, no conflicts (2 of 4 stars). 2 submissions from 2 submitters: Uncertain significance (2). Last evaluated 2022-12-05.

Allele frequency attached by ClinVar (database versions not stated): TOPMed 0.00001.

Submissions (2):

GeneDx
Classification: Uncertain significance. Last evaluated: 2022-12-05. Review status: criteria provided, single submitter. Criteria: GeneDx Variant Classification Process June 2021. Collection method: clinical testing. Allele origin: germline. Affected: yes.
Comment: Not observed at significant frequency in large population cohorts (gnomAD); In silico analysis supports that this missense variant has a deleterious effect on protein structure/function; Has not been previously published as pathogenic or benign to our knowledge

Labcorp Genetics (formerly Invitae), Labcorp
Classification: Uncertain significance. Last evaluated: 2022-11-12. Review status: criteria provided, single submitter. Criteria: Invitae Variant Classification Sherloc (09022015). Collection method: clinical testing. Allele origin: germline.
Comment: This sequence change replaces aspartic acid, which is acidic and polar, with glycine, which is neutral and non-polar, at codon 22 of the SRCAP protein (p.Asp22Gly). This variant is not present in population databases (gnomAD no frequency). This variant has not been reported in the literature in individuals affected with SRCAP-related conditions. Advanced modeling of protein sequence and biophysical properties (such as structural, functional, and spatial information, amino acid conservation, physicochemical variation, residue mobility, and thermodynamic stability) performed at Invitae indicates that this missense variant is not expected to disrupt SRCAP protein function. In summary, the available evidence is currently insufficient to determine the role of this variant in disease. Therefore, it has been classified as a Variant of Uncertain Significance.